The following is an entry in ClinVar:

NM_001244008.2(KIF1A):c.445A>G (p.Ile149Val)

Gene: KIF1A (kinesin family member 1A; minus strand). Cytogenetic location: 2q37.3.
Variant type: single nucleotide variant.
Coding change: c.445A>G on transcript NM_001244008.2 (MANE Select); coding-DNA position 445, A replaced by G.
Protein change: p.Ile149Val; replaces isoleucine 149 with valine.
Molecular consequence: missense variant.
Genome position (GRCh38, 1-based): chr2:240,786,498, T>C on the plus strand (A>G on the coding strand, the complement: KIF1A is on the minus strand). VCF-style: chr2-240786498-T-C. GRCh37 (hg19) VCF-style: chr2-241725915-T-C.
Other names: c.445A>G, p.Ile149Val (NM_001320705.2, NM_001330289.2, NM_001330290.2 and 21 more transcripts); short protein forms I149V.
Identifiers: ClinVar variation 2581732 (VCV002581732.1), dbSNP rs2538354707, ClinGen allele CA351307117.

ClinVar aggregate classification (germline): Uncertain significance (1 of 4 stars; one submission).

Submission:

GeneDx
Classification: Uncertain significance. Last evaluated: 2023-03-30. Review status: criteria provided, single submitter. Criteria: GeneDx Variant Classification Process June 2021. Collection method: clinical testing. Allele origin: germline. Affected: yes.
Comment: Not observed at significant frequency in large population cohorts (gnomAD); In silico analysis supports that this missense variant does not alter protein structure/function; Has not been previously published as pathogenic or benign to our knowledge; This variant is associated with the following publications: (PMID: 26125038, 21820098, 21376300)